The following is an entry in ClinVar:

NM_000180.4(GUCY2D):c.2988C>G (p.Tyr996Ter)

Gene: GUCY2D (guanylate cyclase 2D, retinal; plus strand). Cytogenetic location: 17p13.1.
Variant type: single nucleotide variant.
Coding change: c.2988C>G on transcript NM_000180.4 (MANE Select); coding-DNA position 2988, C replaced by G.
Protein change: p.Tyr996Ter; replaces tyrosine 996 with a stop codon.
Molecular consequence: nonsense.
Genome position (GRCh38, 1-based): chr17:8,015,786, C>G. VCF-style: chr17-8015786-C-G. GRCh37 (hg19) VCF-style: chr17-7919104-C-G.
Other names: short protein forms Y996*.
Identifiers: ClinVar variation 851765 (VCV000851765.7), dbSNP rs1975957350, ClinGen allele CA397955241.

ClinVar aggregate classification (germline): Pathogenic (1 of 4 stars; one submission).

Conditions:
Leber congenital amaurosis 1 (LCA1). Also called: AMAUROSIS CONGENITA OF LEBER I; Congenital absence of the rods and cones; Leber's congenital tapetoretinal degeneration; Leber's congenital tapetoretinal dysplasia; RETINAL BLINDNESS, CONGENITAL. Identifiers: Orphanet 65, MedGen C2931258, MONDO:0008764, OMIM 204000.
Cone-rod dystrophy 6 (CORD6). Also called: Cone dystrophy progressive; RETINAL CONE DYSTROPHY 2. Identifiers: Orphanet 1872, MedGen C1866293, MONDO:0011143, OMIM 601777.

Submission:

Labcorp Genetics (formerly Invitae), Labcorp
Classification: Pathogenic for Leber congenital amaurosis 1; Cone-rod dystrophy 6. Last evaluated: 2020-02-29. Review status: criteria provided, single submitter. Criteria: Invitae Variant Classification Sherloc (09022015). Collection method: clinical testing. Allele origin: germline.
Comment: This variant has not been reported in the literature in individuals with GUCY2D-related conditions. This variant is not present in population databases (ExAC no frequency). This sequence change creates a premature translational stop signal (p.Tyr996*) in the GUCY2D gene. It is expected to result in an absent or disrupted protein product. For these reasons, this variant has been classified as Pathogenic. Loss-of-function variants in GUCY2D are known to be pathogenic (PMID: 10951519, 11328726). Algorithms developed to predict the effect of sequence changes on RNA splicing suggest that this variant may create or strengthen a splice site, but this prediction has not been confirmed by published transcriptional studies.

Literature cited by the submitters: PubMed 10951519; PubMed 11328726.